The following is an entry in ClinVar:

NM_007194.4(CHEK2):c.190G>C (p.Glu64Gln)

Gene: CHEK2 (checkpoint kinase 2; minus strand). Cytogenetic location: 22q12.1.
Variant type: single nucleotide variant.
Coding change: c.190G>C on transcript NM_007194.4 (MANE Select); coding-DNA position 190, G replaced by C.
Protein change: p.Glu64Gln; replaces glutamic acid 64 with glutamine.
Molecular consequence: missense variant. On other transcripts: intron variant (1), 5 prime UTR variant (1).
Genome position (GRCh38, 1-based): chr22:28,734,532, C>G on the plus strand (G>C on the coding strand, the complement: CHEK2 is on the minus strand). VCF-style: chr22-28734532-C-G. GRCh37 (hg19) VCF-style: chr22-29130520-C-G.
Other names: c.190G>C, p.Glu64Gln (NM_001438293.1, NM_001438294.1, NM_001438295.1 and 3 more transcripts); c.-345+7237G>C (NM_001437942.1); c.-588G>C (NM_001257387.3); short protein forms E64Q.
Identifiers: ClinVar variation 4824793 (VCV004824793.1).
Genomic context (GRCh38, chr22:28,734,532, plus strand): 5'-CTTGGTCCTCAGGTTCTTGGTCCTCAGGAATAGAATAGAGTTCCTGAGTGGACACTGTCT[C>G]TAAGGAGCTCAGTGTCCCAGAGCTGGAGTGAGAGGACTGGCTGGAGTTTGGCATCGTGCT-3'
Protein context (NP_009125.1, residues 54-74): HSSSGTLSSL[Glu64Gln]TVSTQELYSI

ClinVar aggregate classification (germline): Uncertain significance (1 of 4 stars; one submission).

Conditions:
Hereditary cancer-predisposing syndrome. Also called: Neoplastic Syndromes, Hereditary; Hereditary neoplastic syndrome; Tumor predisposition; Hereditary Cancer Syndrome. Identifiers: Orphanet 140162, MedGen C0027672, MeSH D009386, MONDO:0015356.

Submission:

Ambry Genetics
Classification: Uncertain significance for Hereditary cancer-predisposing syndrome. Last evaluated: 2026-01-30. Review status: criteria provided, single submitter. Criteria: Ambry Variant Classification Scheme 2023. Collection method: clinical testing. Allele origin: germline.
Comment: The p.E64Q variant (also known as c.190G>C), located in coding exon 1 of the CHEK2 gene, results from a G to C substitution at nucleotide position 190. The glutamic acid at codon 64 is replaced by glutamine, an amino acid with highly similar properties. This amino acid position is not well conserved in available vertebrate species. In addition, this alteration is predicted to be tolerated by in silico analysis. Based on the available evidence, the clinical significance of this variant remains unclear.